The following is an entry in ClinVar:

NM_001165963.4(SCN1A):c.1662+1G>C

Gene: SCN1A (sodium voltage-gated channel alpha subunit 1; minus strand). Cytogenetic location: 2q24.3.
Variant type: single nucleotide variant.
Coding change: c.1662+1G>C on transcript NM_001165963.4 (MANE Select); the canonical splice donor site of the intron after coding-DNA position 1662, G replaced by C.
Molecular consequence: splice donor variant.
Genome position (GRCh38, 1-based): chr2:166,045,042, C>G on the plus strand (G>C on the coding strand, the complement: SCN1A is on the minus strand). VCF-style: chr2-166045042-C-G. GRCh37 (hg19) VCF-style: chr2-166901552-C-G.
Other names: c.1662+1G>C (NM_001353949.2, NM_001353958.2, NM_001353950.2 and 7 more transcripts); c.1659+1G>C (NM_001353955.2, NM_001353960.2, NM_001353954.2); c.-764+1G>C (NM_001353961.2).
Identifiers: ClinVar variation 1027785 (VCV001027785.4), dbSNP rs794726749, ClinGen allele CA349068217.

ClinVar aggregate classification (germline): Pathogenic. Review status: criteria provided, multiple submitters, no conflicts (2 of 4 stars). 2 submissions from 2 submitters: Pathogenic (2). Last evaluated 2025-02-17.

Conditions:
Early-infantile DEE. Also called: Early infantile epileptic encephalopathy; Ohtahara syndrome; Early infantile epileptic encephalopathy with suppression bursts. Identifiers: Orphanet 1934, MedGen C0393706, MONDO:0800491.
Severe myoclonic epilepsy in infancy (DRVT). Also called: Dravet syndrome; Epileptic encephalopathy, early infantile, 6 (Dravet syndrome); Severe Myoclonic Epilepsy in Infancy (SMEI); SEVERE MYOCLONIC EPILEPSY OF INFANCY; DEVELOPMENTAL AND EPILEPTIC ENCEPHALOPATHY 6A. Identifiers: Orphanet 33069, MedGen C0751122, MONDO:0100135, OMIM 607208.

Submissions (2):

Labcorp Genetics (formerly Invitae), Labcorp
Classification: Pathogenic for Early-infantile DEE. Last evaluated: 2025-02-17. Review status: criteria provided, single submitter. Criteria: Invitae Variant Classification Sherloc (09022015). Collection method: clinical testing. Allele origin: germline.
Comment: This sequence change affects a donor splice site in intron 10 of the SCN1A gene. It is expected to disrupt RNA splicing. Variants that disrupt the donor or acceptor splice site typically lead to a loss of protein function (PMID: 16199547), and loss-of-function variants in SCN1A are known to be pathogenic (PMID: 17347258, 18930999). This variant is not present in population databases (gnomAD no frequency). Disruption of this splice site has been observed in individual(s) with severe myoclonic epilepsy of infancy (PMID: 17054684). In at least one individual the variant was observed to be de novo. ClinVar contains an entry for this variant (Variation ID: 1027785). Algorithms developed to predict the effect of sequence changes on RNA splicing suggest that this variant may disrupt the consensus splice site. For these reasons, this variant has been classified as Pathogenic.

Baylor Genetics
Classification: Pathogenic for Severe myoclonic epilepsy in infancy. Last evaluated: 2020-05-05. Review status: criteria provided, single submitter. Criteria: ACMG Guidelines, 2015. Collection method: clinical testing. Allele origin: unknown. Affected: yes.
Comment: This variant was determined to be pathogenic according to ACMG Guidelines, 2015 [PMID:25741868].

Literature cited by the submitters: PubMed 16199547 (cited by Labcorp Genetics (formerly Invitae), Labcorp); PubMed 17347258 (cited by Labcorp Genetics (formerly Invitae), Labcorp); PubMed 18930999 (cited by Labcorp Genetics (formerly Invitae), Labcorp); PubMed 17054684 (cited by Labcorp Genetics (formerly Invitae), Labcorp).